The following is an entry in ClinVar:

NM_000051.4(ATM):c.5015del (p.Gly1672fs)

Gene: ATM (ATM serine/threonine kinase; plus strand). Cytogenetic location: 11q22.3.
Variant type: Deletion.
Coding change: c.5015del on transcript NM_000051.4 (MANE Select); coding-DNA position 5015, one base deleted (G; older notation c.5015delG).
Protein change: p.Gly1672fs; shifts the reading frame from glycine 1672.
Molecular consequence: frameshift variant.
Genome position (GRCh38, 1-based): chr11:108,299,723, G deleted; the last of 2 consecutive G bases (chr11:108,299,722-108,299,723); deleting either gives the same sequence. VCF-style (leftmost placement, unchanged base first): chr11-108299721-TG-T. GRCh37 (hg19) VCF-style: chr11-108170448-TG-T.
Other names: c.5015delG (NM_000051.3); c.5015del, p.Gly1672fs (NM_001351834.2); short protein forms G1672fs.
Identifiers: ClinVar variation 220820 (VCV000220820.13), dbSNP rs864622662, ClinGen allele CA349969.

ClinVar aggregate classification (germline): Pathogenic/Likely pathogenic. Review status: criteria provided, multiple submitters, no conflicts (2 of 4 stars). 3 submissions from 3 submitters: Pathogenic (2); Likely pathogenic (1). Last evaluated 2023-08-22.

Conditions:
Hereditary cancer-predisposing syndrome. Also called: Tumor predisposition; Hereditary neoplastic syndrome; Neoplastic Syndromes, Hereditary; Hereditary Cancer Syndrome. Identifiers: Orphanet 140162, MedGen C0027672, MeSH D009386, MONDO:0015356.
Familial cancer of breast. Also called: hereditary breast carcinoma; Hereditary breast cancer; BREAST CANCER, FAMILIAL. Identifiers: Orphanet 227535, MedGen C0346153, MONDO:0016419, OMIM 114480. Disease mechanism: loss of function.
Ataxia-telangiectasia syndrome (AT). Also called: Ataxia-telangiectasia, complementation group E; AT, COMPLEMENTATION GROUP C; ATAXIA-TELANGIECTASIA, COMPLEMENTATION GROUP A; ATAXIA-TELANGIECTASIA, FRESNO VARIANT; Ataxia-telangiectasia; LOUIS-BAR SYNDROME. Identifiers: Orphanet 100, MedGen C0004135, MONDO:0008840, OMIM 208900.

Submissions (3):

Labcorp Genetics (formerly Invitae), Labcorp
Classification: Pathogenic for Ataxia-telangiectasia syndrome. Last evaluated: 2023-08-22. Review status: criteria provided, single submitter. Criteria: Invitae Variant Classification Sherloc (09022015). Collection method: clinical testing. Allele origin: germline.
Comment: ClinVar contains an entry for this variant (Variation ID: 220820). This variant has not been reported in the literature in individuals affected with ATM-related conditions. This variant is not present in population databases (gnomAD no frequency). This sequence change creates a premature translational stop signal (p.Gly1672Glufs*10) in the ATM gene. It is expected to result in an absent or disrupted protein product. Loss-of-function variants in ATM are known to be pathogenic (PMID: 23807571, 25614872). For these reasons, this variant has been classified as Pathogenic.

Baylor Genetics
Classification: Likely pathogenic for Familial cancer of breast. Last evaluated: 2022-11-08. Review status: criteria provided, single submitter. Criteria: ACMG Guidelines, 2015. Collection method: clinical testing. Allele origin: unknown.

Ambry Genetics
Classification: Pathogenic for Hereditary cancer-predisposing syndrome. Last evaluated: 2021-09-17. Review status: criteria provided, single submitter. Criteria: Ambry Variant Classification Scheme 2023. Collection method: clinical testing. Allele origin: germline.
Comment: The c.5015delG pathogenic mutation, located in coding exon 33 of the ATM gene, results from a deletion of one nucleotide at nucleotide position 5015, causing a translational frameshift with a predicted alternate stop codon (p.G1672Efs*10). This alteration is expected to result in loss of function by premature protein truncation or nonsense-mediated mRNA decay. As such, this alteration is interpreted as a disease-causing mutation.

Literature cited by the submitters: PubMed 23807571 (cited by Labcorp Genetics (formerly Invitae), Labcorp); PubMed 25614872 (cited by Labcorp Genetics (formerly Invitae), Labcorp).